The following is an entry in ClinVar:

ClinVar aggregate classification (germline): Uncertain significance (1 of 4 stars; one submission).

Conditions:
Inborn genetic diseases. Identifiers: MedGen C0950123, MeSH D030342.

gnomAD v4.1: 6 of 1,613,860 alleles (0.00037%); highest among the groups gnomAD compares: Non-Finnish European, 0.00051%; no homozygotes.

Submission:

Ambry Genetics
Classification: Uncertain significance for Inborn genetic diseases. Last evaluated: 2024-10-12. Review status: criteria provided, single submitter. Criteria: Ambry Variant Classification Scheme 2023. Collection method: clinical testing. Allele origin: germline.
Comment: The p.S802G variant (also known as c.2404A>G), located in coding exon 19 of the LRRK2 gene, results from an A to G substitution at nucleotide position 2404. The serine at codon 802 is replaced by glycine, an amino acid with similar properties. This amino acid position is conserved. In addition, the in silico prediction for this alteration is inconclusive. Based on the available evidence, the clinical significance of this variant remains unclear.

NM_198578.4(LRRK2):c.2404A>G (p.Ser802Gly)

Gene: LRRK2 (leucine rich repeat kinase 2; plus strand). Cytogenetic location: 12q12.
Variant type: single nucleotide variant.
Coding change: c.2404A>G on transcript NM_198578.4 (MANE Select); coding-DNA position 2404, A replaced by G.
Protein change: p.Ser802Gly; replaces serine 802 with glycine.
Molecular consequence: missense variant.
Genome position (GRCh38, 1-based): chr12:40,284,037, A>G. VCF-style: chr12-40284037-A-G. GRCh37 (hg19) VCF-style: chr12-40677839-A-G.
Other names: short protein forms S802G.
Identifiers: ClinVar variation 3540727 (VCV003540727.1).
Genomic context (GRCh38, chr12:40,284,037, plus strand): 5'-GGTGACAGCCAGATCATCAGCTTGCTCTTAAGGAGGCTGGCCCTGGATGTGGCCAACAAT[A>G]GCATTTGCCTTGGAGGATTTTGTATAGGAAAAGTTGAACCTTCTTGGCTTGGTCCTTTAT-3'
Protein context (NP_940980.4, residues 792-812): RRLALDVANN[Ser802Gly]ICLGGFCIGK